The following is an entry in ClinVar:

ClinVar aggregate classification (germline): Uncertain significance (1 of 4 stars; one submission).

Conditions:
Hereditary spastic paraplegia 11. Also called: SPASTIC PARAPLEGIA, AUTOSOMAL RECESSIVE, COMPLICATED, WITH THIN CORPUS CALLOSUM; SPASTIC PARAPLEGIA, AUTOSOMAL RECESSIVE, WITH MENTAL IMPAIRMENT AND THIN CORPUS CALLOSUM; Nakamura Osame syndrome; Autosomal recessive hereditary spastic paraplegia, mental impairment, and thin corpus callosum; Spastic Paraplegia 11; Spastic paraplegia, mental retardation and thin corpus callosum. Identifiers: Orphanet 2822, MedGen C1858479, MONDO:0011445, OMIM 604360.

Submission:

Labcorp Genetics (formerly Invitae), Labcorp
Classification: Uncertain significance for Hereditary spastic paraplegia 11. Last evaluated: 2025-06-22. Review status: criteria provided, single submitter. Criteria: Invitae Variant Classification Sherloc (09022015). Collection method: clinical testing. Allele origin: germline.
Comment: This sequence change replaces proline, which is neutral and non-polar, with leucine, which is neutral and non-polar, at codon 34 of the SPG11 protein (p.Pro34Leu). This variant is not present in population databases (gnomAD no frequency). This variant has not been reported in the literature in individuals affected with SPG11-related conditions. An algorithm developed to predict the effect of missense changes on protein structure and function (PolyPhen-2) suggests that this variant is likely to be disruptive. In summary, the available evidence is currently insufficient to determine the role of this variant in disease. Therefore, it has been classified as a Variant of Uncertain Significance.

NM_025137.4(SPG11):c.101C>T (p.Pro34Leu)

Gene: SPG11 (SPG11 vesicle trafficking associated, spatacsin; minus strand). Cytogenetic location: 15q21.1.
Variant type: single nucleotide variant.
Coding change: c.101C>T on transcript NM_025137.4 (MANE Select); coding-DNA position 101, C replaced by T.
Protein change: p.Pro34Leu; replaces proline 34 with leucine.
Molecular consequence: missense variant.
Genome position (GRCh38, 1-based): chr15:44,663,547, G>A on the plus strand (C>T on the coding strand, the complement: SPG11 is on the minus strand). VCF-style: chr15-44663547-G-A. GRCh37 (hg19) VCF-style: chr15-44955745-G-A.
Other names: c.101C>T, p.Pro34Leu (NM_001160227.2, NM_001411132.1); short protein forms P34L.
Identifiers: ClinVar variation 4699248 (VCV004699248.1).